The following is an entry in ClinVar:

ClinVar aggregate classification (germline): Uncertain significance (1 of 4 stars; one submission).

Conditions:
Cardiovascular phenotype. Identifiers: MedGen CN230736.

Submission:

Ambry Genetics
Classification: Uncertain significance for Cardiovascular phenotype. Last evaluated: 2017-04-17. Review status: criteria provided, single submitter. Criteria: Ambry Variant Classification Scheme 2023. Collection method: clinical testing. Allele origin: germline.
Comment: The c.1952_1953delAG variant, located in coding exon 12 of the NEXN gene, results from a deletion of two nucleotides at nucleotide positions 1952 to 1953, causing a translational frameshift with a predicted alternate stop codon (p.E651Vfs*4). This alteration is expected to result in loss of function by premature protein truncation, with loss of the C-terminal 24 amino acids. However, the mechanism of disease for NEXN mutations has not been clearly established, and the impact of this truncation on protein function is unclear. Since supporting evidence is limited at this time, the clinical significance of this alteration remains unclear.

NM_144573.4(NEXN):c.1952_1953del (p.Glu651fs)

Gene: NEXN (nexilin F-actin binding protein; plus strand). Cytogenetic location: 1p31.1.
Variant type: Microsatellite.
Coding change: c.1952_1953del on transcript NM_144573.4 (MANE Select); coding-DNA positions 1952 to 1953, 2 bases deleted (AG; older notation c.1952_1953delAG).
Protein change: p.Glu651fs; shifts the reading frame from glutamic acid 651.
Molecular consequence: frameshift variant.
Genome position (GRCh38, 1-based): chr1:77,942,753-77,942,754, AG deleted; deleting any 2 consecutive bases within chr1:77,942,750-77,942,754 gives the same sequence; the c. name uses the placement nearest the transcript's 3' end. VCF-style (leftmost placement, unchanged base first): chr1-77942749-GGA-G. GRCh37 (hg19) VCF-style: chr1-78408434-GGA-G.
Other names: c.1760_1761del, p.Glu587fs (NM_001172309.2); c.1952_1953delAG (NM_144573.3); short protein forms E587fs, E651fs.
Identifiers: ClinVar variation 519162 (VCV000519162.5), dbSNP rs1553242326, ClinGen allele CA658795481.
Genomic context (GRCh38, chr1:77,942,749, plus strand): 5'-TATATTGAAAGGGGAGAAACTTACTGCCTTTACTTACCAGAAACTTTCCCAGAAGATGGA[GGA>G]GAGTATATGTGTAAAGCAGTCAACAATAAAGGATCTGCAGCTAGTACCTGTATTCTTACC-3'